The following is an entry in ClinVar:

ClinVar aggregate classification (germline): Uncertain significance (1 of 4 stars; one submission).

Allele frequency attached by ClinVar (database versions not stated): gnomAD exomes below 0.00001; gnomAD 0.00004.
gnomAD v4.1: 8 of 1,614,046 alleles (0.0005%); highest among the groups gnomAD compares: African/African-American, 0.0093%; no homozygotes.

Submission:

Labcorp Genetics (formerly Invitae), Labcorp
Classification: Uncertain significance. Last evaluated: 2025-11-15. Review status: criteria provided, single submitter. Criteria: Invitae Variant Classification Sherloc (09022015). Collection method: clinical testing. Allele origin: germline.
Comment: This sequence change replaces valine, which is neutral and non-polar, with phenylalanine, which is neutral and non-polar, at codon 58 of the IL6R protein (p.Val58Phe). This variant is present in population databases (no rsID available, gnomAD 0.01%). This variant has not been reported in the literature in individuals affected with IL6R-related conditions. ClinVar contains an entry for this variant (Variation ID: 1438988). An algorithm developed to predict the effect of missense changes on protein structure and function outputs the following: PolyPhen-2: "Benign". The phenylalanine amino acid residue is found in multiple mammalian species, which suggests that this missense change does not adversely affect protein function. In summary, the available evidence is currently insufficient to determine the role of this variant in disease. Therefore, it has been classified as a Variant of Uncertain Significance.

NM_000565.4(IL6R):c.172G>T (p.Val58Phe)

Gene: IL6R (interleukin 6 receptor; plus strand). Cytogenetic location: 1q21.3.
Variant type: single nucleotide variant.
Coding change: c.172G>T on transcript NM_000565.4 (MANE Select); coding-DNA position 172, G replaced by T.
Protein change: p.Val58Phe; replaces valine 58 with phenylalanine.
Molecular consequence: missense variant. On other transcripts: intron variant (1).
Genome position (GRCh38, 1-based): chr1:154,429,282, G>T. VCF-style: chr1-154429282-G-T. GRCh37 (hg19) VCF-style: chr1-154401758-G-T.
Other names: c.172G>T, p.Val58Phe (NM_001206866.2, NM_001382769.1, NM_001382770.1 and 4 more transcripts); c.126+46G>T (NM_001382774.1); short protein forms V58F.
Identifiers: ClinVar variation 1438988 (VCV001438988.4), dbSNP rs1455492560, ClinGen allele CA342603317.